The following is an entry in ClinVar:

ClinVar aggregate classification (germline): Likely benign. Review status: criteria provided, multiple submitters, no conflicts (2 of 4 stars). 3 submissions from 3 submitters: Likely benign (3). Last evaluated 2025-09-22.

Conditions:
TTC21B-related disorder. Also called: TTC21B-related condition; TTC21B-related disorders.
Jeune thoracic dystrophy. Also called: Jeune syndrome; Infantile thoracic dystrophy; Thoracic pelvic phalangeal dystrophy; Jeune's syndrome; Chondroectodermal dysplasia-like syndrome; Short-rib thoracic dysplasia. Identifiers: Orphanet 474, MedGen C0265275, MONDO:0018770.
Nephronophthisis. Also called: Juvenile Nephronophthisis. Identifiers: Orphanet 655, MedGen C0687120, MONDO:0019005, HP:0000090.

Allele frequency attached by ClinVar (database versions not stated): ExAC 0.00003.
gnomAD v4.1: 91 of 1,613,554 alleles (0.0056%); highest among the groups gnomAD compares: Non-Finnish European, 0.0076%; no homozygotes.

Submissions (3):

Labcorp Genetics (formerly Invitae), Labcorp
Classification: Likely benign for Jeune thoracic dystrophy; Nephronophthisis. Last evaluated: 2025-09-22. Review status: criteria provided, single submitter. Criteria: Invitae Variant Classification Sherloc (09022015). Collection method: clinical testing. Allele origin: germline.

PreventionGenetics, part of Exact Sciences
Classification: Likely benign for TTC21B-related condition. Last evaluated: 2025-05-12. Review status: criteria provided, single submitter. Criteria: ACMG Guidelines, 2015. Collection method: clinical testing. Allele origin: germline.
Comment: This variant is classified as likely benign based on ACMG/AMP sequence variant interpretation guidelines (Richards et al. 2015 PMID: 25741868, with internal and published modifications).

Blueprint Genetics
Classification: Likely benign. Last evaluated: 2023-09-20. Review status: criteria provided, single submitter. Criteria: ACMG Guidelines, 2015. Collection method: clinical testing. Allele origin: germline.

NM_024753.5(TTC21B):c.1517-5A>C

Gene: TTC21B (tetratricopeptide repeat domain 21B; minus strand). Cytogenetic location: 2q24.3.
Variant type: single nucleotide variant.
Coding change: c.1517-5A>C on transcript NM_024753.5 (MANE Select); 5 bases into the intron before coding-DNA position 1517, A replaced by C.
Molecular consequence: intron variant.
Genome position (GRCh38, 1-based): chr2:165,919,438, T>G on the plus strand (A>C on the coding strand, the complement: TTC21B is on the minus strand). VCF-style: chr2-165919438-T-G. GRCh37 (hg19) VCF-style: chr2-166775948-T-G.
Other names: c.1517-5A>C (NM_024753.4).
Identifiers: ClinVar variation 1546666 (VCV001546666.10), dbSNP rs769174542, ClinGen allele CA1942094.